The following is an entry in ClinVar:

NM_002291.3(LAMB1):c.3499C>T (p.Arg1167Ter)

Gene: LAMB1 (laminin subunit beta 1; minus strand). Cytogenetic location: 7q31.1.
Variant type: single nucleotide variant.
Coding change: c.3499C>T on transcript NM_002291.3 (MANE Select); coding-DNA position 3499, C replaced by T.
Protein change: p.Arg1167Ter; replaces arginine 1167 with a stop codon.
Molecular consequence: nonsense.
Genome position (GRCh38, 1-based): chr7:107,940,251, G>A on the plus strand (C>T on the coding strand, the complement: LAMB1 is on the minus strand). VCF-style: chr7-107940251-G-A. GRCh37 (hg19) VCF-style: chr7-107580696-G-A.
Other names: short protein forms R1167*.
Identifiers: ClinVar variation 2985441 (VCV002985441.3), dbSNP rs748625715, ClinGen allele CA4435291.

ClinVar aggregate classification (germline): Pathogenic (1 of 4 stars; one submission).

Allele frequency attached by ClinVar (database versions not stated): TOPMed below 0.00001; gnomAD exomes 0.00001.
gnomAD v4.1: 16 of 1,614,182 alleles (0.00099%); highest among the groups gnomAD compares: East Asian, 0.0022%; no homozygotes.

Submission:

Labcorp Genetics (formerly Invitae), Labcorp
Classification: Pathogenic. Last evaluated: 2024-10-14. Review status: criteria provided, single submitter. Criteria: Invitae Variant Classification Sherloc (09022015). Collection method: clinical testing. Allele origin: germline.
Comment: This sequence change creates a premature translational stop signal (p.Arg1167*) in the LAMB1 gene. It is expected to result in an absent or disrupted protein product. Loss-of-function variants in LAMB1 are known to be pathogenic (PMID: 23472759, 25925986). This variant is present in population databases (rs748625715, gnomAD 0.006%). This variant has not been reported in the literature in individuals affected with LAMB1-related conditions. Algorithms developed to predict the effect of sequence changes on RNA splicing suggest that this variant may disrupt the consensus splice site. For these reasons, this variant has been classified as Pathogenic.

Literature cited by the submitters: PubMed 23472759; PubMed 25925986.